The following is an entry in ClinVar:

NM_000051.4(ATM):c.5344A>T (p.Lys1782Ter)

Gene: ATM (ATM serine/threonine kinase; plus strand). Cytogenetic location: 11q22.3.
Variant type: single nucleotide variant.
Coding change: c.5344A>T on transcript NM_000051.4 (MANE Select); coding-DNA position 5344, A replaced by T.
Protein change: p.Lys1782Ter; replaces lysine 1782 with a stop codon.
Molecular consequence: nonsense.
Genome position (GRCh38, 1-based): chr11:108,302,877, A>T. VCF-style: chr11-108302877-A-T. GRCh37 (hg19) VCF-style: chr11-108173604-A-T.
Other names: c.5344A>T, p.Lys1782Ter (NM_001351834.2); short protein forms K1782*.
Identifiers: ClinVar variation 3148083 (VCV003148083.2), dbSNP rs1591712154, ClinGen allele CA382543179.
Genomic context (GRCh38, chr11:108,302,877, plus strand): 5'-TCTCTTATTTACATTTTCTAATCCCTTTCTTTCTAGTTTTTAGAAGTACCCAGATTTGAC[A>T]AAGAAAACCCTTTTGAAGGCCTGGATGATATAAATCTGTGGATTCCTCTAAGTGAAAATC-3'

ClinVar aggregate classification (germline): Pathogenic. Review status: criteria provided, multiple submitters, no conflicts (2 of 4 stars). 2 submissions from 2 submitters: Pathogenic (2). Last evaluated 2025-03-25.

Conditions:
Ataxia-telangiectasia syndrome (AT). Also called: Ataxia telangiectasia (A-T); Ataxia-telangiectasia, complementation group D; Ataxia-telangiectasia, complementation group E; LOUIS-BAR SYNDROME; Cerebello-oculocutaneous telangiectasia; Immunodeficiency with ataxia telangiectasia. Identifiers: Orphanet 100, MedGen C0004135, MONDO:0008840, OMIM 208900.
Familial cancer of breast. Also called: Hereditary breast cancer; BREAST CANCER, FAMILIAL; hereditary breast carcinoma. Identifiers: Orphanet 227535, MedGen C0346153, MONDO:0016419, OMIM 114480. Disease mechanism: loss of function.

Submissions (2):

Labcorp Genetics (formerly Invitae), Labcorp
Classification: Pathogenic for Ataxia-telangiectasia syndrome. Last evaluated: 2025-03-25. Review status: criteria provided, single submitter. Criteria: Invitae Variant Classification Sherloc (09022015). Collection method: clinical testing. Allele origin: germline.
Comment: This sequence change creates a premature translational stop signal (p.Lys1782*) in the ATM gene. It is expected to result in an absent or disrupted protein product. Loss-of-function variants in ATM are known to be pathogenic (PMID: 23807571, 25614872). This variant is not present in population databases (gnomAD no frequency). This variant has not been reported in the literature in individuals affected with ATM-related conditions. ClinVar contains an entry for this variant (Variation ID: 3148083). For these reasons, this variant has been classified as Pathogenic.

Myriad Genetics, Inc.
Classification: Pathogenic for Familial cancer of breast. Last evaluated: 2024-01-25. Review status: criteria provided, single submitter. Criteria: Myriad Autosomal Dominant, Autosomal Recessive and X-Linked Classification Criteria (2023). Collection method: clinical testing. Allele origin: unknown.
Comment: This variant is considered pathogenic. This variant creates a termination codon and is predicted to result in premature protein truncation.

Literature cited by the submitters: PubMed 23807571 (cited by Labcorp Genetics (formerly Invitae), Labcorp); PubMed 25614872 (cited by Labcorp Genetics (formerly Invitae), Labcorp).